The following is an entry in ClinVar:

ClinVar aggregate classification (germline): Uncertain significance (1 of 4 stars; one submission).

Conditions:
L-2-hydroxyglutaric aciduria (L2HGA). Identifiers: Orphanet 79314, MedGen C1855995, MONDO:0009370, OMIM 236792, HP:0040144.

gnomAD v4.1: 3 of 1,586,642 alleles (0.00019%); highest among the groups gnomAD compares: African/African-American, 0.0027%; no homozygotes.

Submission:

Labcorp Genetics (formerly Invitae), Labcorp
Classification: Uncertain significance for L-2-hydroxyglutaric aciduria. Last evaluated: 2021-12-02. Review status: criteria provided, single submitter. Criteria: Invitae Variant Classification Sherloc (09022015). Collection method: clinical testing. Allele origin: germline.
Comment: This sequence change replaces proline, which is neutral and non-polar, with threonine, which is neutral and polar, at codon 36 of the L2HGDH protein (p.Pro36Thr). In summary, the available evidence is currently insufficient to determine the role of this variant in disease. Therefore, it has been classified as a Variant of Uncertain Significance. Algorithms developed to predict the effect of missense changes on protein structure and function (SIFT, PolyPhen-2, Align-GVGD) all suggest that this variant is likely to be tolerated. This variant has not been reported in the literature in individuals affected with L2HGDH-related conditions. This variant is not present in population databases (gnomAD no frequency).

NM_024884.3(L2HGDH):c.106C>A (p.Pro36Thr)

Genes: DMAC2L (distal membrane arm assembly component 2 like; plus strand), L2HGDH (L-2-hydroxyglutarate dehydrogenase; minus strand). Cytogenetic location: 14q21.3.
Variant type: single nucleotide variant.
Coding change: c.106C>A on transcript NM_024884.3 (MANE Select); coding-DNA position 106, C replaced by A.
Protein change: p.Pro36Thr; replaces proline 36 with threonine.
Molecular consequence: missense variant. On other transcripts: 5 prime UTR variant (6), intron variant (1).
Genome position (GRCh38, 1-based): chr14:50,312,045, G>T on the plus strand (C>A on the coding strand, the complement: L2HGDH is on the minus strand). VCF-style: chr14-50312045-G-T. GRCh37 (hg19) VCF-style: chr14-50778763-G-T.
Other names: c.106C>A, p.Pro36Thr (NM_001425212.1); c.-149C>A (NM_001425213.1, NM_001425214.1); c.-663C>A (NM_001425215.1); c.-505C>A (NM_001425216.1); c.-598C>A (NM_001425217.1); c.-520C>A (NM_001425218.1); c.-6+191G>T (NM_001382509.1); short protein forms P36T.
Identifiers: ClinVar variation 1396989 (VCV001396989.7), dbSNP rs2031253004, ClinGen allele CA389648768.